The following is an entry in ClinVar:

ClinVar aggregate classification (germline): Pathogenic. Review status: criteria provided, multiple submitters, no conflicts (2 of 4 stars). 2 submissions from 2 submitters: Pathogenic (2). Last evaluated 2024-11-20.

Conditions:
Neurofibromatosis, type 1 (NF1). Also called: Peripheral type neurofibromatosis; NEUROFIBROMATOSIS, TYPE I, SOMATIC; VON RECKLINGHAUSEN DISEASE; Neurofibromatosis, type I. Identifiers: Orphanet 636, MedGen C0027831, MONDO:0018975, OMIM 162200. Disease mechanism: loss of function.

Submissions (2):

Labcorp Genetics (formerly Invitae), Labcorp
Classification: Pathogenic for Neurofibromatosis, type 1. Last evaluated: 2024-11-20. Review status: criteria provided, single submitter. Criteria: Invitae Variant Classification Sherloc (09022015). Collection method: clinical testing. Allele origin: germline.
Comment: This sequence change creates a premature translational stop signal (p.Asn214Ilefs*11) in the NF1 gene. It is expected to result in an absent or disrupted protein product. Loss-of-function variants in NF1 are known to be pathogenic (PMID: 10712197, 23913538). This variant is not present in population databases (gnomAD no frequency). This variant has not been reported in the literature in individuals affected with NF1-related conditions. ClinVar contains an entry for this variant (Variation ID: 2745917). For these reasons, this variant has been classified as Pathogenic.

St. Jude Molecular Pathology, St. Jude Children's Research Hospital
Classification: Pathogenic for Neurofibromatosis, type 1. Last evaluated: 2024-02-13. Review status: criteria provided, single submitter. Criteria: St. Jude Assertion Criteria 2020. Collection method: clinical testing. Allele origin: germline. Affected: yes.
Comment: The NF1 c.641del (p.Asn214IlefsTer11) change deletes one nucleotide in exon 6 of the NF1 gene to cause a frameshift of the protein coding sequence and the creation of a premature stop codon after 11 new amino acids. This change is predicted to cause protein truncation upstream of the NF1 functional domains or absence of protein due to nonsense-mediated decay. This variant is also absent in gnomAD v2.1.1. In summary, this variant meets criteria to be classified as pathogenic.?

Literature cited by the submitters: PubMed 10712197 (cited by Labcorp Genetics (formerly Invitae), Labcorp); PubMed 23913538 (cited by Labcorp Genetics (formerly Invitae), Labcorp).

NM_001042492.3(NF1):c.641del (p.Asn214fs)

Gene: NF1 (neurofibromin 1; plus strand). Cytogenetic location: 17q11.2.
Variant type: Deletion.
Coding change: c.641del on transcript NM_001042492.3 (MANE Select); coding-DNA position 641, one base deleted (A; older notation c.641delA).
Protein change: p.Asn214fs; shifts the reading frame from asparagine 214.
Molecular consequence: frameshift variant.
Genome position (GRCh38, 1-based): chr17:31,181,476, A deleted; the last of 3 consecutive A bases (chr17:31,181,474-31,181,476); deleting any one gives the same sequence. VCF-style (leftmost placement, unchanged base first): chr17-31181473-TA-T. GRCh37 (hg19) VCF-style: chr17-29508491-TA-T.
Other names: c.641del, p.Asn214fs (NM_001128147.3); c.641delA, p.Asn214Ilefs (NM_000267.4); short protein forms N214fs.
Identifiers: ClinVar variation 2745917 (VCV002745917.4), dbSNP rs2544747909, ClinGen allele CA2697559664.